The following is an entry in ClinVar:

NM_001498.4(GCLC):c.166G>T (p.Val56Leu)

Gene: GCLC (glutamate-cysteine ligase catalytic subunit; minus strand). Cytogenetic location: 6p12.1.
Variant type: single nucleotide variant.
Coding change: c.166G>T on transcript NM_001498.4 (MANE Select); coding-DNA position 166, G replaced by T.
Protein change: p.Val56Leu; replaces valine 56 with leucine.
Molecular consequence: missense variant.
Genome position (GRCh38, 1-based): chr6:53,522,512, C>A on the plus strand (G>T on the coding strand, the complement: GCLC is on the minus strand). VCF-style: chr6-53522512-C-A. GRCh37 (hg19) VCF-style: chr6-53387310-C-A.
Other names: p.Val56Leu; c.166G>T, p.Val56Leu (NM_001197115.2); short protein forms V56L.
Identifiers: ClinVar variation 2682930 (VCV002682930.1), dbSNP rs746395020, ClinGen allele CA139047404.
Genomic context (GRCh38, chr6:53,522,512, plus strand): 5'-CAAGAACTTTCTCCCCAGACAGGACCAACCGGACTTTTTTATTTTCATGATCAAAAGATA[C>A]CAACATGTATTCCACCTATTGAAAATAAAGGTGAGAAAAATTAACATTCTTCCAGACTTG-3'
Protein context (NP_001489.1, residues 46-66): KWGDEVEYML[Val56Leu]SFDHENKKVR

ClinVar aggregate classification (germline): Uncertain significance (1 of 4 stars; one submission).

Allele frequency attached by ClinVar (database versions not stated): gnomAD 0.00001; TOPMed 0.00001.
gnomAD v4.1: 2 of 1,600,096 alleles (0.00012%); highest among the groups gnomAD compares: African/African-American, 0.0027%; no homozygotes.

Submission:

Mayo Clinic Laboratories, Mayo Clinic
Classification: Uncertain significance. Last evaluated: 2022-10-21. Review status: criteria provided, single submitter. Criteria: ACMG Guidelines, 2015. Collection method: clinical testing. Allele origin: germline. Observed: 1 variant allele.
Comment: PM2